The following is an entry in ClinVar:

NM_001854.4(COL11A1):c.1545G>T (p.Gln515His)

Gene: COL11A1 (collagen type XI alpha 1 chain; minus strand). Cytogenetic location: 1p21.1.
Variant type: single nucleotide variant.
Coding change: c.1545G>T on transcript NM_001854.4 (MANE Select); coding-DNA position 1545, G replaced by T.
Protein change: p.Gln515His; replaces glutamine 515 with histidine.
Molecular consequence: missense variant. On other transcripts: non-coding transcript variant (1).
Genome position (GRCh38, 1-based): chr1:103,014,538, C>A on the plus strand (G>T on the coding strand, the complement: COL11A1 is on the minus strand). VCF-style: chr1-103014538-C-A. GRCh37 (hg19) VCF-style: chr1-103480094-C-A.
Other names: c.1197G>T, p.Gln399His (NM_001168249.1, NM_080630.4); c.1428G>T, p.Gln476His (NM_001190709.2); c.1581G>T, p.Gln527His (NM_080629.3); short protein forms Q515H, Q476H, Q399H, Q527H.
Identifiers: ClinVar variation 2101794 (VCV002101794.4), dbSNP rs2525489719, ClinGen allele CA341179074.

ClinVar aggregate classification (germline): Uncertain significance (1 of 4 stars; one submission).

gnomAD v4.1: 1 of 1,613,734 alleles (0.000062%); highest among the groups gnomAD compares: Non-Finnish European, 0.000085%; no homozygotes.

Submission:

Labcorp Genetics (formerly Invitae), Labcorp
Classification: Uncertain significance. Last evaluated: 2022-03-08. Review status: criteria provided, single submitter. Criteria: Invitae Variant Classification Sherloc (09022015). Collection method: clinical testing. Allele origin: germline.
Comment: In summary, the available evidence is currently insufficient to determine the role of this variant in disease. Therefore, it has been classified as a Variant of Uncertain Significance. Advanced modeling of protein sequence and biophysical properties (such as structural, functional, and spatial information, amino acid conservation, physicochemical variation, residue mobility, and thermodynamic stability) performed at Invitae indicates that this missense variant is not expected to disrupt COL11A1 protein function. This variant has not been reported in the literature in individuals affected with COL11A1-related conditions. This variant is not present in population databases (gnomAD no frequency). This sequence change replaces glutamine, which is neutral and polar, with histidine, which is basic and polar, at codon 515 of the COL11A1 protein (p.Gln515His).